The following is an entry in ClinVar:

NM_024422.6(DSC2):c.1931G>T (p.Gly644Val)

Gene: DSC2 (desmocollin 2; minus strand). Cytogenetic location: 18q12.1.
Variant type: single nucleotide variant.
Coding change: c.1931G>T on transcript NM_024422.6 (MANE Select); coding-DNA position 1931, G replaced by T.
Protein change: p.Gly644Val; replaces glycine 644 with valine.
Molecular consequence: missense variant.
Genome position (GRCh38, 1-based): chr18:31,071,799, C>A on the plus strand (G>T on the coding strand, the complement: DSC2 is on the minus strand). VCF-style: chr18-31071799-C-A. GRCh37 (hg19) VCF-style: chr18-28651765-C-A.
Other names: c.1502G>T, p.Gly501Val (NM_001406506.1, NM_001406507.1); c.1931G>T, p.Gly644Val (NM_004949.5); c.1931G>T (NM_024422.3); short protein forms G501V, G644V.
Identifiers: ClinVar variation 3894389 (VCV003894389.2).

ClinVar aggregate classification (germline): Uncertain significance. Review status: criteria provided, multiple submitters, no conflicts (2 of 4 stars). 2 submissions from 2 submitters: Uncertain significance (2). Last evaluated 2025-06-12.

Conditions:
Cardiomyopathy (CMYO). Also called: Cardiomyopathies. Identifiers: Orphanet 167848, MedGen C0878544, MONDO:0004994, HP:0001638. Inheritance: Various modes of inheritance.

gnomAD v4.1: 1 of 1,613,922 alleles (0.000062%); highest among the groups gnomAD compares: Non-Finnish European, 0.000085%; no homozygotes.

Submissions (2):

GeneDx
Classification: Uncertain significance. Last evaluated: 2025-06-12. Review status: criteria provided, single submitter. Criteria: GeneDx Variant Classification Process June 2021. Collection method: clinical testing. Allele origin: germline. Affected: yes.
Comment: Not observed at significant frequency in large population cohorts (gnomAD); In silico analysis supports that this missense variant has a deleterious effect on protein structure/function; Has not been previously published as pathogenic or benign to our knowledge

Color Diagnostics, LLC DBA Color Health
Classification: Uncertain significance for Cardiomyopathy. Last evaluated: 2023-10-17. Review status: criteria provided, single submitter. Criteria: ACMG Guidelines, 2015. Collection method: clinical testing. Allele origin: germline.
Comment: This missense variant replaces glycine with valine at codon 644 of the DSC2 protein. Computational prediction suggests that this variant may not impact protein structure and function (internally defined REVEL score threshold <= 0.5, PMID: 27666373). To our knowledge, functional studies have not been reported for this variant. This variant has not been reported in individuals affected with DSC2-related disorders in the literature. This variant has not been identified in the general population by the Genome Aggregation Database (gnomAD). The available evidence is insufficient to determine the role of this variant in disease conclusively. Therefore, this variant is classified as a Variant of Uncertain Significance.